The following is an entry in ClinVar:

ClinVar aggregate classification (germline): Likely benign (1 of 4 stars; one submission).

Conditions:
NOTCH3-related disorder. Also called: NOTCH3-related condition; NOTCH3-related disorders.

gnomAD v4.1: 31 of 1,518,682 alleles (0.002%); highest among the groups gnomAD compares: Non-Finnish European, 0.0026%; no homozygotes.

Submission:

PreventionGenetics, part of Exact Sciences
Classification: Likely benign for NOTCH3-related condition. Last evaluated: 2024-10-07. Review status: criteria provided, single submitter. Criteria: ACMG Guidelines, 2015. Collection method: clinical testing. Allele origin: germline.
Comment: This variant is classified as likely benign based on ACMG/AMP sequence variant interpretation guidelines (Richards et al. 2015 PMID: 25741868, with internal and published modifications).

NM_000435.3(NOTCH3):c.3855T>C (p.Arg1285=)

Gene: NOTCH3 (notch receptor 3; minus strand). Cytogenetic location: 19p13.12.
Variant type: single nucleotide variant.
Coding change: c.3855T>C on transcript NM_000435.3 (MANE Select); coding-DNA position 3855, T replaced by C.
Protein change: p.Arg1285=; no amino-acid change (arginine 1285 retained).
Molecular consequence: synonymous variant.
Genome position (GRCh38, 1-based): chr19:15,178,073, A>G on the plus strand (T>C on the coding strand, the complement: NOTCH3 is on the minus strand). VCF-style: chr19-15178073-A-G. GRCh37 (hg19) VCF-style: chr19-15288884-A-G.
Identifiers: ClinVar variation 4987378 (VCV004987378.1).